The following is an entry in ClinVar:

NM_000102.4(CYP17A1):c.667-13_667-10del

Genes: CYP17A1 (cytochrome P450 family 17 subfamily A member 1; minus strand), CYP17A1-AS1 (CYP17A1 antisense RNA 1; plus strand). Cytogenetic location: 10q24.32.
Variant type: Deletion.
Coding change: c.667-13_667-10del on transcript NM_000102.4 (MANE Select); 13 bases into the intron before coding-DNA position 667 through 10 bases into the intron before coding-DNA position 667, 4 bases deleted (TTTT; older notation c.667-13_667-10delTTTT).
Molecular consequence: intron variant.
Genome position (GRCh38, 1-based): chr10:102,834,132-102,834,135, AAAA deleted on the plus strand (TTTT on the coding strand, the reverse complement: CYP17A1 is on the minus strand); deleting any 4 consecutive bases within chr10:102,834,132-102,834,136 gives the same sequence; the c. name uses the placement nearest the transcript's 3' end. VCF-style (leftmost placement, unchanged base first): chr10-102834131-TAAAA-T. GRCh37 (hg19) VCF-style: chr10-104593888-TAAAA-T.
Identifiers: ClinVar variation 1478370 (VCV001478370.13), dbSNP rs1844127277, ClinGen allele CA931952518.

ClinVar aggregate classification (germline): Conflicting classifications of pathogenicity. Review status: criteria provided, conflicting classifications (1 of 4 stars). 6 submissions from 6 submitters: Likely pathogenic (4); Uncertain significance (1). 1 of the submissions does not count toward it. Last evaluated 2026-07-01.

Conditions:
Congenital adrenal hyperplasia. Identifiers: Orphanet 418, MedGen C0001627, MONDO:0018479, HP:0008258.
Deficiency of steroid 17-alpha-monooxygenase. Also called: ADRENAL HYPERPLASIA V; 17-ALPHA-HYDROXYLASE DEFICIENCY; Congenital adrenal hyperplasia due to 17-alpha-hydroxylase deficiency; Congenital adrenal hyperplasia type 5; 17-alpha-hydroxylase/17,20-lyase deficiency. Identifiers: Orphanet 90793, MedGen C0268285, MONDO:0008730, OMIM 202110.
17-alpha-hydroxylase/17,20-lyase deficiency, combined complete. Identifiers: MedGen CN042980, MONDO:0800379.

Submissions (6):

GeneDx
Classification: Uncertain significance. Last evaluated: 2026-07-01. Review status: criteria provided, single submitter. Criteria: GeneDx Variant Classification Process June 2021. Collection method: clinical testing. Allele origin: germline.
Comment: RNA studies demonstrate a damaging effect with in-frame skipping of exon 4 (PMID: 14715826); Not observed at significant frequency in large population cohorts (gnomAD); This variant is associated with the following publications: (PMID: 14715826)

Natera, Inc.
Classification: Likely pathogenic for Deficiency of steroid 17-alpha-monooxygenase. Last evaluated: 2025-10-20. Review status: criteria provided, single submitter. Criteria: Natera Variant Classification Schema (03/2026). Collection method: clinical testing. Allele origin: germline.
Comment: The c.667-13_667-10delTTTT variant in CYP17A1 is a deletion variant affecting an intronic region. This variant is rare in the general population with a frequency below the threshold expected for the associated phenotype(s). This variant has been observed in one or more individuals affected with the associated recessive disease, as either homozygous or compound heterozygous with a second variant (PMID: 14715826). This variant has been identified in one or more affected individual with a phenotype highly consistent with the associated gene (PMID: 14715826). Functional studies show that this variant may disrupt protein function (PMID: 14715826). Given the available evidence, this variant is classified as Likely Pathogenic.

Baylor Genetics
Classification: Likely pathogenic for Deficiency of steroid 17-alpha-monooxygenase. Last evaluated: 2024-01-06. Review status: criteria provided, single submitter. Criteria: ACMG Guidelines, 2015. Collection method: clinical testing. Allele origin: unknown.

Women's Health and Genetics/Laboratory Corporation of America, LabCorp
Classification: Likely pathogenic for Congenital adrenal hyperplasia. Last evaluated: 2022-08-10. Review status: criteria provided, single submitter. Criteria: LabCorp Variant Classification Summary - May 2015. Collection method: clinical testing. Allele origin: germline.
Comment: Variant summary: CYP17A1 c.667-13_667-10delTTTT alters a non-conserved nucleotide located close to a canonical splice site and therefore could affect mRNA splicing, leading to a significantly altered protein sequence. Several computational tools predict a significant impact on normal splicing: Three predict the variant weakens a 3' acceptor site. An impact on splicing due to the variant has been confirmed by studies which show the RT-PCR product of a homozygous patient lacked exon 4, which consists of 87 bp (29 amino acids), which is expected to keep the reading frame intact (Costa-Santos_2004). The variant was absent in 250138 control chromosomes. c.667-13_667-10delTTTT has been reported in the literature in one homozygous individuals affected with Congenital Adrenal Hyperplasia (Costa-Santos_2004). Additional functional studies have shown cells transfected with plasmids containing the intronic mutation did not express active protein (Costa-Santos_2004). One clinical diagnostic laboratory has submitted clinical-significance assessments for this variant to ClinVar after 2014 without evidence for independent evaluation. One laboratory classified the variant as likely pathogenic. Based on the evidence outlined above, the variant was classified as likely pathogenic.

Labcorp Genetics (formerly Invitae), Labcorp
Classification: Likely pathogenic. Last evaluated: 2022-06-25. Review status: criteria provided, single submitter. Criteria: Invitae Variant Classification Sherloc (09022015). Collection method: clinical testing. Allele origin: germline.
Comment: In summary, the currently available evidence indicates that the variant is pathogenic, but additional data are needed to prove that conclusively. Therefore, this variant has been classified as Likely Pathogenic. Studies have shown that this variant results in skipping of exon 4, but is expected to preserve the integrity of the reading-frame (PMID: 14715826). Experimental studies have shown that this variant affects CYP17A1 function (PMID: 14715826). Algorithms developed to predict the effect of variants on protein structure and function are not available or were not evaluated for this variant. This variant is also known as TTTT deletion. This variant has been observed in individual(s) with congenital adrenal hyperplasia (PMID: 14715826). This variant is not present in population databases (gnomAD no frequency). This sequence change falls in intron 3 of the CYP17A1 gene. It does not directly change the encoded amino acid sequence of the CYP17A1 protein. RNA analysis indicates that this variant induces altered splicing and likely results in a shortened protein product.

OMIM
Classification: Pathogenic for 17-ALPHA-HYDROXYLASE/17,20-LYASE DEFICIENCY, COMBINED COMPLETE. Last evaluated: 2004-01-01. Review status: no assertion criteria provided. Collection method: literature only. Allele origin: germline. Not counted in ClinVar's aggregate classification.

Literature cited by the submitters: PubMed 14715826 (cited by 4 submitters).